The following is an entry in ClinVar:

ClinVar aggregate classification (germline): Benign/Likely benign. Review status: criteria provided, multiple submitters, no conflicts (2 of 4 stars). 4 submissions from 4 submitters: Benign (1); Likely benign (3). Last evaluated 2025-12-15.

Conditions:
Hereditary cancer-predisposing syndrome. Also called: Hereditary neoplastic syndrome; Neoplastic Syndromes, Hereditary; Tumor predisposition; Hereditary Cancer Syndrome. Identifiers: Orphanet 140162, MedGen C0027672, MeSH D009386, MONDO:0015356.
Tuberous sclerosis syndrome (TSC). Also called: Tuberous Sclerosis Complex; Tuberous sclerosis. Identifiers: Orphanet 805, MedGen C0041341, MONDO:0001734.
Tuberous sclerosis 2 (TSC2). Identifiers: Orphanet 805, MedGen C1860707, MONDO:0013199, OMIM 613254.

Allele frequency attached by ClinVar (database versions not stated): gnomAD exomes below 0.00001 and 0.00001; ExAC 0.00002.
gnomAD v4.1: 1 of 1,570,930 alleles (0.000064%); highest among the groups gnomAD compares: Non-Finnish European, 0.000086%; no homozygotes.

Submissions (4):

Color Diagnostics, LLC DBA Color Health
Classification: Likely benign for Tuberous sclerosis syndrome. Last evaluated: 2025-12-15. Review status: criteria provided, single submitter. Criteria: ACMG Guidelines, 2015. Collection method: clinical testing. Allele origin: germline.

Myriad Genetics, Inc.
Classification: Benign for Tuberous sclerosis 2. Last evaluated: 2025-05-16. Review status: criteria provided, single submitter. Criteria: Myriad Autosomal Dominant, Autosomal Recessive and X-Linked Classification Criteria (2023). Collection method: clinical testing. Allele origin: unknown.
Comment: This variant is considered benign. This variant is a silent/synonymous amino acid change and it is not expected to impact splicing.

Labcorp Genetics (formerly Invitae), Labcorp
Classification: Likely benign for Tuberous sclerosis 2. Last evaluated: 2025-03-03. Review status: criteria provided, single submitter. Criteria: Invitae Variant Classification Sherloc (09022015). Collection method: clinical testing. Allele origin: germline.

Ambry Genetics
Classification: Likely benign for Hereditary cancer-predisposing syndrome. Last evaluated: 2024-09-14. Review status: criteria provided, single submitter. Criteria: Ambry Variant Classification Scheme 2023. Collection method: clinical testing. Allele origin: germline.

NM_000548.5(TSC2):c.2004G>T (p.Gly668=)

Gene: TSC2 (TSC complex subunit 2; plus strand). Cytogenetic location: 16p13.3.
Variant type: single nucleotide variant.
Coding change: c.2004G>T on transcript NM_000548.5 (MANE Select); coding-DNA position 2004, G replaced by T.
Protein change: p.Gly668=; no amino-acid change (glycine 668 retained).
Molecular consequence: synonymous variant.
Genome position (GRCh38, 1-based): chr16:2,071,841, G>T. VCF-style: chr16-2071841-G-T. GRCh37 (hg19) VCF-style: chr16-2121842-G-T.
Other names: c.2004G>T, p.Gly668= (NM_001077183.3, NM_001114382.3, NM_001363528.2 and 3 more transcripts); c.1893G>T, p.Gly631= (NM_001318827.2); c.1857G>T, p.Gly619= (NM_001318829.2); c.1404G>T, p.Gly468= (NM_001318831.2); c.2037G>T, p.Gly679= (NM_001318832.2).
Identifiers: ClinVar variation 729835 (VCV000729835.16), dbSNP rs746307631, ClinGen allele CA035573.